The following is an entry in ClinVar:

NM_144643.4(SCLT1):c.1276G>A (p.Glu426Lys)

Gene: SCLT1 (sodium channel and clathrin linker 1; minus strand). Cytogenetic location: 4q28.2.
Variant type: single nucleotide variant.
Coding change: c.1276G>A on transcript NM_144643.4 (MANE Select); coding-DNA position 1276, G replaced by A.
Protein change: p.Glu426Lys; replaces glutamic acid 426 with lysine.
Molecular consequence: missense variant.
Genome position (GRCh38, 1-based): chr4:128,948,513, C>T on the plus strand (G>A on the coding strand, the complement: SCLT1 is on the minus strand). VCF-style: chr4-128948513-C-T. GRCh37 (hg19) VCF-style: chr4-129869668-C-T.
Other names: c.1276G>A, p.Glu426Lys (NM_001410807.1); c.1276G>A (NM_144643.3); short protein forms E426K.
Identifiers: ClinVar variation 2559455 (VCV002559455.3), dbSNP rs938590409, ClinGen allele CA105724197.

ClinVar aggregate classification (germline): Uncertain significance. Review status: criteria provided, multiple submitters, no conflicts (2 of 4 stars). 2 submissions from 2 submitters: Uncertain significance (2). Last evaluated 2026-04-05.

Conditions:
SCLT1-related disorder. Also called: SCLT1-related condition.

Allele frequency attached by ClinVar (database versions not stated): gnomAD exomes below 0.00001; TOPMed 0.00002.
gnomAD v4.1: 5 of 1,607,466 alleles (0.00031%); highest among the groups gnomAD compares: Non-Finnish European, 0.00034%; no homozygotes.

Submissions (2):

PreventionGenetics, part of Exact Sciences
Classification: Uncertain significance for SCLT1-related condition. Last evaluated: 2026-04-05. Review status: criteria provided, single submitter. Criteria: ACMG Guidelines, 2015. Collection method: clinical testing. Allele origin: germline.
Comment: The SCLT1 c.1276G>A variant is predicted to result in the amino acid substitution p.Glu426Lys. To our knowledge, this variant has not been reported in the literature or in a large population database (gnomAD), indicating this variant is rare. At this time, the clinical significance of this variant is uncertain due to the absence of conclusive functional and genetic evidence.

Ambry Genetics
Classification: Uncertain significance. Last evaluated: 2023-06-12. Review status: criteria provided, single submitter. Criteria: Ambry Variant Classification Scheme 2023. Collection method: clinical testing. Allele origin: germline.